The following is an entry in ClinVar:

NM_000631.5(NCF4):c.759-84C>T

Gene: NCF4 (neutrophil cytosolic factor 4; plus strand). Cytogenetic location: 22q12.3.
Variant type: single nucleotide variant.
Coding change: c.759-84C>T on transcript NM_000631.5 (MANE Select); 84 bases into the intron before coding-DNA position 759, C replaced by T.
Molecular consequence: intron variant. On other transcripts: missense variant (1).
Genome position (GRCh38, 1-based): chr22:36,875,945, C>T. VCF-style: chr22-36875945-C-T. GRCh37 (hg19) VCF-style: chr22-37271987-C-T.
Other names: c.920C>T, p.Pro307Leu (NM_013416.4); short protein forms P307L.
Identifiers: ClinVar variation 1352831 (VCV001352831.8), dbSNP rs1940183132, ClinGen allele CA411389924.

ClinVar aggregate classification (germline): Uncertain significance (1 of 4 stars; one submission).

Conditions:
Granulomatous disease, chronic, autosomal recessive, cytochrome b-positive, type 3. Also called: GRANULOMATOUS DISEASE, CHRONIC, DUE TO NCF4 DEFICIENCY; Granulomatous disease, chronic, autosomal recessive, cytochrome b-positive, type III; GRANULOMATOUS DISEASE, CHRONIC, AUTOSOMAL RECESSIVE, 3; CGD, AUTOSOMAL RECESSIVE CYTOCHROME b-POSITIVE, TYPE III. Identifiers: Orphanet 379, MedGen C3151409, MONDO:0013507, OMIM 613960.

Submission:

Labcorp Genetics (formerly Invitae), Labcorp
Classification: Uncertain significance for Granulomatous disease, chronic, autosomal recessive, cytochrome b-positive, type 3. Last evaluated: 2022-07-12. Review status: criteria provided, single submitter. Criteria: Invitae Variant Classification Sherloc (09022015). Collection method: clinical testing. Allele origin: germline.
Comment: This sequence change replaces proline, which is neutral and non-polar, with leucine, which is neutral and non-polar, at codon 307 of the NCF4 protein (p.Pro307Leu). This variant is not present in population databases (gnomAD no frequency). In summary, the available evidence is currently insufficient to determine the role of this variant in disease. Therefore, it has been classified as a Variant of Uncertain Significance. Algorithms developed to predict the effect of missense changes on protein structure and function are either unavailable or do not agree on the potential impact of this missense change (SIFT: "Deleterious"; PolyPhen-2: "Possibly Damaging"; Align-GVGD: "Class C0"). ClinVar contains an entry for this variant (Variation ID: 1352831). This variant has not been reported in the literature in individuals affected with NCF4-related conditions.